The following is an entry in ClinVar:

NM_015057.5(MYCBP2):c.6521T>C (p.Met2174Thr)

Gene: MYCBP2 (MYC binding protein 2; minus strand). Cytogenetic location: 13q22.3.
Variant type: single nucleotide variant.
Coding change: c.6521T>C on transcript NM_015057.5 (MANE Select); coding-DNA position 6521, T replaced by C.
Protein change: p.Met2174Thr; replaces methionine 2174 with threonine.
Molecular consequence: missense variant.
Genome position (GRCh38, 1-based): chr13:77,164,480, A>G on the plus strand (T>C on the coding strand, the complement: MYCBP2 is on the minus strand). VCF-style: chr13-77164480-A-G. GRCh37 (hg19) VCF-style: chr13-77738615-A-G.
Other names: short protein forms M2174T.
Identifiers: ClinVar variation 3602296 (VCV003602296.1).

ClinVar aggregate classification (germline): Uncertain significance (1 of 4 stars; one submission).

Submission:

GeneDx
Classification: Uncertain significance. Last evaluated: 2024-07-26. Review status: criteria provided, single submitter. Criteria: GeneDx Variant Classification Process June 2021. Collection method: clinical testing. Allele origin: germline. Affected: yes.
Comment: Not observed at significant frequency in large population cohorts (gnomAD); In silico analysis supports that this missense variant has a deleterious effect on protein structure/function; Has not been previously published as pathogenic or benign to our knowledge